The following is an entry in ClinVar:

ClinVar aggregate classification (germline): Uncertain significance. Review status: criteria provided, multiple submitters, no conflicts (2 of 4 stars). 3 submissions from 3 submitters: Uncertain significance (3). Last evaluated 2025-12-29.

Conditions:
CFB-related disorder. Also called: CFB-related disorders; CFB-related condition.
Inborn genetic diseases. Identifiers: MedGen C0950123, MeSH D030342.

Allele frequency attached by ClinVar (database versions not stated): ExAC 0.00005; gnomAD 0.00006; TOPMed 0.00006; gnomAD exomes 0.00008 and 0.00022; ESP Exome Variant Server 0.00012.
gnomAD v4.1: 321 of 1,614,056 alleles (0.02%); highest among the groups gnomAD compares: Non-Finnish European, 0.026%; no homozygotes.

Submissions (3):

Labcorp Genetics (formerly Invitae), Labcorp
Classification: Uncertain significance. Last evaluated: 2025-12-29. Review status: criteria provided, single submitter. Criteria: Invitae Variant Classification Sherloc (09022015). Collection method: clinical testing. Allele origin: germline.
Comment: This sequence change replaces valine, which is neutral and non-polar, with leucine, which is neutral and non-polar, at codon 669 of the CFB protein (p.Val669Leu). This variant is present in population databases (rs200095748, gnomAD 0.01%). This variant has not been reported in the literature in individuals affected with CFB-related conditions. ClinVar contains an entry for this variant (Variation ID: 1395113). Invitae Evidence Modeling of protein sequence and biophysical properties (such as structural, functional, and spatial information, amino acid conservation, physicochemical variation, residue mobility, and thermodynamic stability) indicates that this missense variant is not expected to disrupt CFB protein function with a negative predictive value of 80%. In summary, the available evidence is currently insufficient to determine the role of this variant in disease. Therefore, it has been classified as a Variant of Uncertain Significance.

PreventionGenetics, part of Exact Sciences
Classification: Uncertain significance for CFB-related condition. Last evaluated: 2024-11-21. Review status: criteria provided, single submitter. Criteria: ACMG Guidelines, 2015. Collection method: clinical testing. Allele origin: germline.
Comment: The CFB c.2005G>C variant is predicted to result in the amino acid substitution p.Val669Leu. To our knowledge, this variant has not been reported in the literature. This variant is reported in 0.015% of alleles in individuals of European (Non-Finnish) descent in gnomAD. At this time, the clinical significance of this variant is uncertain due to the absence of conclusive functional and genetic evidence.

Ambry Genetics
Classification: Uncertain significance for Inborn genetic diseases. Last evaluated: 2024-08-01. Review status: criteria provided, single submitter. Criteria: Ambry Variant Classification Scheme 2023. Collection method: clinical testing. Allele origin: germline.

NM_001710.6(CFB):c.2005G>C (p.Val669Leu)

Gene: CFB (complement factor B; plus strand). Cytogenetic location: 6p21.33.
Variant type: single nucleotide variant.
Coding change: c.2005G>C on transcript NM_001710.6 (MANE Select); coding-DNA position 2005, G replaced by C.
Protein change: p.Val669Leu; replaces valine 669 with leucine.
Molecular consequence: missense variant.
Genome position (GRCh38, 1-based): chr6:31,951,389, G>C. VCF-style: chr6-31951389-G-C. GRCh37 (hg19) VCF-style: chr6-31919166-G-C.
Other names: c.2005G>C (NM_001710.5); short protein forms V669L.
Identifiers: ClinVar variation 1395113 (VCV001395113.9), dbSNP rs200095748, ClinGen allele CA3728527.